The following is an entry in ClinVar:

NM_001110556.2(FLNA):c.1540G>A (p.Glu514Lys)

Gene: FLNA (filamin A; minus strand). Cytogenetic location: Xq28.
Variant type: single nucleotide variant.
Coding change: c.1540G>A on transcript NM_001110556.2 (MANE Select); coding-DNA position 1540, G replaced by A.
Protein change: p.Glu514Lys; replaces glutamic acid 514 with lysine.
Molecular consequence: missense variant.
Genome position (GRCh38, 1-based): chrX:154,365,376, C>T on the plus strand (G>A on the coding strand, the complement: FLNA is on the minus strand). VCF-style: chrX-154365376-C-T. GRCh37 (hg19) VCF-style: chrX-153593744-C-T.
Other names: c.1540G>A, p.Glu514Lys (NM_001456.4); short protein forms E514K.
Identifiers: ClinVar variation 4789601 (VCV004789601.1).
Genomic context (GRCh38, chrX:154,365,376, plus strand): 5'-CACCCATCCTGGCCTGGCTCCAGGCCAACTTACTGGGGCCCTTCACGGTGACCTTCAGCT[C>T]CCCACTGCCAGCGCCCTTTGTGTACACCTTGAAGTCAGCTGTCTCCTTCACCCGCACACC-3'
Protein context (NP_001104026.1, residues 504-524): KVYTKGAGSG[Glu514Lys]LKVTVKGPKG

ClinVar aggregate classification (germline): Uncertain significance (1 of 4 stars; one submission).

Conditions:
Heterotopia, periventricular, X-linked dominant (PVNH1). Also called: PERIVENTRICULAR NODULAR HETEROTOPIA 4; HETEROTOPIA, PERIVENTRICULAR, 1; PERIVENTRICULAR NODULAR HETEROTOPIA 1; X-linked periventricular heterotopia. Identifiers: Orphanet 2149, Orphanet 82004, MedGen C1848213, MONDO:0010233, OMIM 300049.
Oto-palato-digital syndrome, type II (OPD2). Also called: Otopalatodigital Syndrome, Type II; FACIOPALATOOSSEOUS SYNDROME; OPD II SYNDROME; Otopalatodigital Syndrome Type 2 (FLNA-OPD2). Identifiers: Orphanet 669, Orphanet 90652, MedGen C1844696, MONDO:0010571, OMIM 304120.
Melnick-Needles syndrome (MNS). Also called: MELNICK-NEEDLES OSTEODYSPLASTY; OSTEODYSPLASTY OF MELNICK AND NEEDLES; Melnick-Needles Syndrome (FLNA-MNS). Identifiers: Orphanet 2484, MedGen C0025237, MONDO:0010650, OMIM 309350.
Frontometaphyseal dysplasia (FMD1). Identifiers: Orphanet 1826, MedGen C0265293, MONDO:0015942.

gnomAD v4.1: 1 of 1,211,960 alleles (0.000083%); highest among the groups gnomAD compares: Non-Finnish European, 0.00011%; no homozygotes.

Submission:

Labcorp Genetics (formerly Invitae), Labcorp
Classification: Uncertain significance for Oto-palato-digital syndrome, type II; Heterotopia, periventricular, X-linked dominant; Frontometaphyseal dysplasia; Melnick-Needles syndrome. Last evaluated: 2025-12-08. Review status: criteria provided, single submitter. Criteria: Invitae Variant Classification Sherloc (09022015). Collection method: clinical testing. Allele origin: germline.
Comment: This sequence change replaces glutamic acid, which is acidic and polar, with lysine, which is basic and polar, at codon 514 of the FLNA protein (p.Glu514Lys). This variant is not present in population databases (gnomAD no frequency). This variant has not been reported in the literature in individuals affected with FLNA-related conditions. Invitae Evidence Modeling of protein sequence and biophysical properties (such as structural, functional, and spatial information, amino acid conservation, physicochemical variation, residue mobility, and thermodynamic stability) indicates that this missense variant is not expected to disrupt FLNA protein function with a negative predictive value of 95%. In summary, the available evidence is currently insufficient to determine the role of this variant in disease. Therefore, it has been classified as a Variant of Uncertain Significance.